The following is an entry in ClinVar:

ClinVar aggregate classification (germline): Benign (1 of 4 stars; one submission).

Submission:

GeneDx
Classification: Benign. Last evaluated: 2018-06-14. Review status: criteria provided, single submitter. Criteria: GeneDx Variant Classification (06012015). Collection method: clinical testing. Allele origin: germline. Affected: yes.
Comment: This variant is considered likely benign or benign based on one or more of the following criteria: it is a conservative change, it occurs at a poorly conserved position in the protein, it is predicted to be benign by multiple in silico algorithms, and/or has population frequency not consistent with disease.

NM_004817.4(TJP2):c.60+39CGTGAG[3]

Gene: TJP2 (tight junction protein 2; plus strand). Cytogenetic location: 9q21.11.
Variant type: Microsatellite.
Coding change: c.60+39CGTGAG[3] on transcript NM_004817.4 (MANE Select); three copies in a row of the 6-base unit CGTGAG starting at c.60+39.
Molecular consequence: intron variant.
Genome position: GRCh38 VCF-style: chr9-69174470-T-TCGTGAG. GRCh37 (hg19) VCF-style: chr9-71789386-T-TCGTGAG.
Other names: c.-10+22700CGTGAG[3] (NM_001170414.2, NM_001369870.1); c.-127-10616CGTGAG[3] (NM_001369871.1); c.60+39CGTGAG[3] (NM_201629.3, NM_001369872.1, NM_001369873.1).
Identifiers: ClinVar variation 682800 (VCV000682800.1), dbSNP rs59568063, ClinGen allele CA5072858.